The following is an entry in ClinVar:

ClinVar aggregate classification (germline): Pathogenic. Review status: criteria provided, single submitter (1 of 4 stars). 2 submissions from 2 submitters: Pathogenic (1). 1 of the submissions does not count toward it. Last evaluated 2019-04-20.

Conditions:
Early-infantile DEE. Also called: Ohtahara syndrome; Early infantile epileptic encephalopathy; Early infantile epileptic encephalopathy with suppression bursts. Identifiers: Orphanet 1934, MedGen C0393706, MONDO:0800491.
Generalized epilepsy with febrile seizures plus, type 2 (GEFSP2). Also called: GEFS+, TYPE 2. Identifiers: Orphanet 36387, MedGen C1858673, MONDO:0011461, OMIM 604403.

Submissions (2):

Labcorp Genetics (formerly Invitae), Labcorp
Classification: Pathogenic for Early-infantile DEE. Last evaluated: 2019-04-20. Review status: criteria provided, single submitter. Criteria: Invitae Variant Classification Sherloc (09022015). Collection method: clinical testing. Allele origin: germline.
Comment: This sequence change creates a premature translational stop signal (p.Tyr1254*) in the SCN1A gene. It is expected to result in an absent or disrupted protein product. This variant is not present in population databases (ExAC no frequency). This variant has not been reported in the literature in individuals with SCN1A-related conditions. Loss-of-function variants in SCN1A are known to be pathogenic (PMID: 17347258, 18930999). For these reasons, this variant has been classified as Pathogenic.

Laboratory of Medical Genetics, National & Kapodistrian University of Athens
Classification: Pathogenic for Generalized epilepsy with febrile seizures plus, type 2. Last evaluated: 2020-02-19. Review status: no assertion criteria provided. Collection method: clinical testing. Allele origin: de novo. Affected: yes. Not counted in ClinVar's aggregate classification.

Literature cited by the submitters: PubMed 17347258 (cited by Labcorp Genetics (formerly Invitae), Labcorp); PubMed 18930999 (cited by Labcorp Genetics (formerly Invitae), Labcorp).

NM_001165963.4(SCN1A):c.3762T>A (p.Tyr1254Ter)

Genes: SCN1A (sodium voltage-gated channel alpha subunit 1; minus strand), LOC102724058 (uncharacterized LOC102724058; plus strand). Cytogenetic location: 2q24.3.
Variant type: single nucleotide variant.
Coding change: c.3762T>A on transcript NM_001165963.4 (MANE Select); coding-DNA position 3762, T replaced by A.
Protein change: p.Tyr1254Ter; replaces tyrosine 1254 with a stop codon.
Molecular consequence: nonsense. On other transcripts: non-coding transcript variant (1).
Genome position (GRCh38, 1-based): chr2:166,012,226, A>T on the plus strand (T>A on the coding strand, the complement: SCN1A is on the minus strand). VCF-style: chr2-166012226-A-T. GRCh37 (hg19) VCF-style: chr2-166868736-A-T.
Other names: c.3678T>A, p.Tyr1226Ter (NM_001353957.2, NM_001353958.2, NM_001165964.3); c.3675T>A, p.Tyr1225Ter (NM_001353960.2); c.1320T>A, p.Tyr440Ter (NM_001353961.2); c.3729T>A, p.Tyr1243Ter (NM_006920.6, NM_001353949.2, NM_001353950.2 and 2 more transcripts); c.3762T>A, p.Tyr1254Ter (NM_001202435.3, NM_001353948.2); c.3726T>A, p.Tyr1242Ter (NM_001353954.2, NM_001353955.2); short protein forms Y1242*, Y1243*, Y1225*, Y1226*, Y1254*, Y440*.
Identifiers: ClinVar variation 861530 (VCV000861530.9), dbSNP rs1240187329, ClinGen allele CA349054459.